The following is an entry in ClinVar:

NM_020975.6(RET):c.187G>A (p.Val63Met)

Gene: RET (ret proto-oncogene; plus strand). Cytogenetic location: 10q11.21.
Variant type: single nucleotide variant.
Coding change: c.187G>A on transcript NM_020975.6 (MANE Select); coding-DNA position 187, G replaced by A.
Protein change: p.Val63Met; replaces valine 63 with methionine.
Molecular consequence: missense variant.
Genome position (GRCh38, 1-based): chr10:43,100,572, G>A. VCF-style: chr10-43100572-G-A. GRCh37 (hg19) VCF-style: chr10-43596020-G-A.
Other names: c.187G>A, p.Val63Met (NM_000323.2, NM_001406743.1, NM_001406744.1 and 34 more transcripts); short protein forms V63M.
Identifiers: ClinVar variation 2018422 (VCV002018422.5), dbSNP rs770081020, ClinGen allele CA376770271.

ClinVar aggregate classification (germline): Uncertain significance. Review status: criteria provided, multiple submitters, no conflicts (2 of 4 stars). 2 submissions from 2 submitters: Uncertain significance (2). Last evaluated 2023-11-13.

Conditions:
Multiple endocrine neoplasia, type 2 (MEN2). Identifiers: Orphanet 653, MedGen C4048306, MONDO:0019003. Disease mechanism: gain of function.
Hereditary cancer-predisposing syndrome. Also called: Hereditary Cancer Syndrome; Neoplastic Syndromes, Hereditary; Hereditary neoplastic syndrome; Tumor predisposition. Identifiers: Orphanet 140162, MedGen C0027672, MeSH D009386, MONDO:0015356.

Submissions (2):

Ambry Genetics
Classification: Uncertain significance for Hereditary cancer-predisposing syndrome. Last evaluated: 2023-11-13. Review status: criteria provided, single submitter. Criteria: Ambry Variant Classification Scheme 2023. Collection method: clinical testing. Allele origin: germline.
Comment: The p.V63M variant (also known as c.187G>A), located in coding exon 2 of the RET gene, results from a G to A substitution at nucleotide position 187. The valine at codon 63 is replaced by methionine, an amino acid with highly similar properties. This amino acid position is well conserved in available vertebrate species. In addition, this alteration is predicted to be tolerated by in silico analysis. Since supporting evidence is limited at this time, the clinical significance of this alteration remains unclear.

Labcorp Genetics (formerly Invitae), Labcorp
Classification: Uncertain significance for Multiple endocrine neoplasia, type 2. Last evaluated: 2022-09-30. Review status: criteria provided, single submitter. Criteria: Invitae Variant Classification Sherloc (09022015). Collection method: clinical testing. Allele origin: germline.
Comment: This variant has not been reported in the literature in individuals affected with RET-related conditions. In summary, the available evidence is currently insufficient to determine the role of this variant in disease. Therefore, it has been classified as a Variant of Uncertain Significance. Algorithms developed to predict the effect of missense changes on protein structure and function (SIFT, PolyPhen-2, Align-GVGD) all suggest that this variant is likely to be tolerated. This variant is not present in population databases (gnomAD no frequency). This sequence change replaces valine, which is neutral and non-polar, with methionine, which is neutral and non-polar, at codon 63 of the RET protein (p.Val63Met).